The following is an entry in ClinVar:

ClinVar aggregate classification (germline): Uncertain significance (1 of 4 stars; one submission).

gnomAD v4.1: 1 of 1,598,296 alleles (0.000063%); highest among the groups gnomAD compares: South Asian, 0.0011%; no homozygotes.

Submission:

Labcorp Genetics (formerly Invitae), Labcorp
Classification: Uncertain significance. Last evaluated: 2021-08-11. Review status: criteria provided, single submitter. Criteria: Invitae Variant Classification Sherloc (09022015). Collection method: clinical testing. Allele origin: germline.
Comment: This sequence change replaces serine with asparagine at codon 17 of the ASAH1 protein (p.Ser17Asn). The serine residue is weakly conserved and there is a small physicochemical difference between serine and asparagine. This variant is present in population databases (rs368509218, ExAC 0.01%). This variant has not been reported in the literature in individuals affected with ASAH1-related conditions. Algorithms developed to predict the effect of missense changes on protein structure and function (SIFT, PolyPhen-2, Align-GVGD) all suggest that this variant is likely to be tolerated. In summary, the available evidence is currently insufficient to determine the role of this variant in disease. Therefore, it has been classified as a Variant of Uncertain Significance.

NM_177924.5(ASAH1):c.50G>A (p.Ser17Asn)

Gene: ASAH1 (N-acylsphingosine amidohydrolase 1; minus strand). Cytogenetic location: 8p22.
Variant type: single nucleotide variant.
Coding change: c.50G>A on transcript NM_177924.5 (MANE Select); coding-DNA position 50, G replaced by A.
Protein change: p.Ser17Asn; replaces serine 17 with asparagine.
Molecular consequence: missense variant. On other transcripts: intron variant (2).
Genome position (GRCh38, 1-based): chr8:18,084,009, C>T on the plus strand (G>A on the coding strand, the complement: ASAH1 is on the minus strand). VCF-style: chr8-18084009-C-T. GRCh37 (hg19) VCF-style: chr8-17941518-C-T.
Other names: c.126+667G>A (NM_004315.6, NM_001127505.3); short protein forms S17N.
Identifiers: ClinVar variation 1413560 (VCV001413560.3), dbSNP rs368509218, ClinGen allele CA4651122.